The following is an entry in ClinVar:

ClinVar aggregate classification (germline): Conflicting classifications of pathogenicity. Review status: criteria provided, conflicting classifications (1 of 4 stars). 7 submissions from 7 submitters: Uncertain significance (2); Benign (2); Likely benign (3). Last evaluated 2026-01-26.

Conditions:
Congenital myasthenic syndrome 10. Also called: Myasthenia, limb-girdle, familial. Identifiers: Orphanet 590, MedGen C1850792, MONDO:0009690, OMIM 254300.
Fetal akinesia deformation sequence 1 (FADS1). Also called: Fetal akinesia sequence; Pena-Shokeir syndrome type I. Identifiers: Orphanet 994, MedGen C1276035, MONDO:0100101, OMIM 208150, HP:0001989.
Inborn genetic diseases. Identifiers: MedGen C0950123, MeSH D030342.

Allele frequency attached by ClinVar (database versions not stated): gnomAD exomes 0.00055; ExAC 0.00073; gnomAD 0.00224 and 0.00243; ESP Exome Variant Server 0.00248; TOPMed 0.00251; 1000 Genomes Project 0.00280.
gnomAD v4.1: 634 of 1,610,348 alleles (0.039%); highest among the groups gnomAD compares: African/African-American, 0.74%; 1 homozygote.

Submissions (7):

Labcorp Genetics (formerly Invitae), Labcorp
Classification: Benign for Congenital myasthenic syndrome 10; Fetal akinesia deformation sequence 1. Last evaluated: 2026-01-26. Review status: criteria provided, single submitter. Criteria: Invitae Variant Classification Sherloc (09022015). Collection method: clinical testing. Allele origin: germline.

Women's Health and Genetics/Laboratory Corporation of America, LabCorp
Classification: Likely benign. Last evaluated: 2025-10-09. Review status: criteria provided, single submitter. Criteria: LabCorp Variant Classification Summary - May 2015. Collection method: clinical testing. Allele origin: germline.
Comment: Variant summary: DOK7 c.1295G>A (p.Arg432Lys) results in a conservative amino acid change in the encoded protein sequence. Algorithms developed to predict the effect of missense changes on protein structure and function all suggest that this variant is likely to be tolerated. The variant allele was found at a frequency of 0.00055 in 231690 control chromosomes, predominantly at a frequency of 0.0077 within the African or African-American subpopulation in the gnomAD database. The observed variant frequency within African or African-American control individuals in the gnomAD database exceeds the estimated maximal expected allele frequency for disease-causing variants in DOK7. To our knowledge, no occurrence of c.1295G>A in individuals affected with DOK7-related conditions and no experimental evidence demonstrating its impact on protein function have been reported. ClinVar contains an entry for this variant (Variation ID: 285096). Based on the evidence outlined above, the variant was classified as likely benign.

Ambry Genetics
Classification: Uncertain significance for Inborn genetic diseases. Last evaluated: 2025-08-30. Review status: criteria provided, single submitter. Criteria: Ambry Variant Classification Scheme 2023. Collection method: clinical testing. Allele origin: germline.

Blueprint Genetics
Classification: Uncertain significance. Last evaluated: 2024-08-23. Review status: criteria provided, single submitter. Criteria: ACMG Guidelines, 2015. Collection method: clinical testing. Allele origin: germline.

GeneDx
Classification: Likely benign. Last evaluated: 2020-03-06. Review status: criteria provided, single submitter. Criteria: GeneDx Variant Classification Process June 2021. Collection method: clinical testing. Allele origin: germline. Affected: yes.

Eurofins Ntd Llc (ga)
Classification: Benign. Last evaluated: 2015-12-24. Review status: criteria provided, single submitter. Criteria: EGL Classification Definitions 2015. Collection method: clinical testing. Allele origin: germline. Observed: 1 variant allele, 1 heterozygote.

Breakthrough Genomics
Classification: Likely benign. Review status: criteria provided, single submitter. Criteria: ACMG Guidelines, 2015. Collection method: not provided. Allele origin: germline. Inheritance: Autosomal recessive inheritance. Affected: yes.

NM_173660.5(DOK7):c.1295G>A (p.Arg432Lys)

Gene: DOK7 (docking protein 7; plus strand). Cytogenetic location: 4p16.3.
Variant type: single nucleotide variant.
Coding change: c.1295G>A on transcript NM_173660.5 (MANE Select); coding-DNA position 1295, G replaced by A.
Protein change: p.Arg432Lys; replaces arginine 432 with lysine.
Molecular consequence: missense variant. On other transcripts: 3 prime UTR variant (1).
Genome position (GRCh38, 1-based): chr4:3,493,281, G>A. VCF-style: chr4-3493281-G-A. GRCh37 (hg19) VCF-style: chr4-3495008-G-A.
Other names: c.*516G>A (NM_001164673.2); c.365G>A, p.Arg122Lys (NM_001256896.2); c.1295G>A, p.Arg432Lys (NM_001301071.2); c.863G>A, p.Arg288Lys (NM_001363811.2); short protein forms R432K, R288K, R122K.
Identifiers: ClinVar variation 285096 (VCV000285096.25), dbSNP rs145419117, ClinGen allele CA2829453.